The following is an entry in ClinVar:

ClinVar aggregate classification (germline): Pathogenic/Likely pathogenic. Review status: criteria provided, multiple submitters, no conflicts (2 of 4 stars). 2 submissions from 2 submitters: Pathogenic (1); Likely pathogenic (1). Last evaluated 2025-12-24.

Allele frequency attached by ClinVar (database versions not stated): ExAC 0.00001.
gnomAD v4.1: 1 of 1,612,522 alleles (0.000062%); highest among the groups gnomAD compares: Non-Finnish European, 0.000085%; no homozygotes.

Submissions (2):

Labcorp Genetics (formerly Invitae), Labcorp
Classification: Pathogenic. Last evaluated: 2025-12-24. Review status: criteria provided, single submitter. Criteria: Invitae Variant Classification Sherloc (09022015). Collection method: clinical testing. Allele origin: germline.
Comment: This sequence change creates a premature translational stop signal (p.Trp313*) in the LMF1 gene. It is expected to result in an absent or disrupted protein product. Loss-of-function variants in LMF1 are known to be pathogenic (PMID: 17994020, 19820022, 22239554). The frequency data for this variant in the population databases is considered unreliable, as metrics indicate poor data quality at this position in the gnomAD database. This variant has not been reported in the literature in individuals affected with LMF1-related conditions. ClinVar contains an entry for this variant (Variation ID: 2788856). For these reasons, this variant has been classified as Pathogenic.

Mayo Clinic Laboratories, Mayo Clinic
Classification: Likely pathogenic. Last evaluated: 2024-05-01. Review status: criteria provided, single submitter. Criteria: ACMG Guidelines, 2015. Collection method: clinical testing. Allele origin: germline. Observed: 1 variant allele.
Comment: PM2, PVS1

Literature cited by the submitters: PubMed 17994020 (cited by Labcorp Genetics (formerly Invitae), Labcorp and Mayo Clinic Laboratories, Mayo Clinic); PubMed 19820022 (cited by Labcorp Genetics (formerly Invitae), Labcorp and Mayo Clinic Laboratories, Mayo Clinic); PubMed 22239554 (cited by Labcorp Genetics (formerly Invitae), Labcorp); PubMed 20224398 (cited by Mayo Clinic Laboratories, Mayo Clinic); PubMed 30885219 (cited by Mayo Clinic Laboratories, Mayo Clinic).

NM_022773.4(LMF1):c.938G>A (p.Trp313Ter)

Gene: LMF1 (lipase maturation factor 1; minus strand). Cytogenetic location: 16p13.3.
Variant type: single nucleotide variant.
Coding change: c.938G>A on transcript NM_022773.4 (MANE Select); coding-DNA position 938, G replaced by A.
Protein change: p.Trp313Ter; replaces tryptophan 313 with a stop codon.
Molecular consequence: nonsense. On other transcripts: non-coding transcript variant (1).
Genome position (GRCh38, 1-based): chr16:871,301, C>T on the plus strand (G>A on the coding strand, the complement: LMF1 is on the minus strand). VCF-style: chr16-871301-C-T. GRCh37 (hg19) VCF-style: chr16-921301-C-T.
Other names: p.Trp313*; c.287G>A, p.Trp96Ter (NM_001352017.2, NM_001352021.2); c.539G>A, p.Trp180Ter (NM_001352018.2); c.611G>A, p.Trp204Ter (NM_001352019.2); c.938G>A, p.Trp313Ter (NM_001352020.1); short protein forms W204*, W180*, W313*, W96*.
Identifiers: ClinVar variation 2788856 (VCV002788856.4), dbSNP rs753503972, ClinGen allele CA7797265.